The following is an entry in ClinVar:

ClinVar aggregate classification (germline): Uncertain significance (1 of 4 stars; one submission).

Conditions:
Anemia. Also called: Anemia (disease). Identifiers: MedGen C0002871, MONDO:0002280, HP:0001903.
Diarrhea. Identifiers: MedGen C0011991, HP:0002014.
Axial hypotonia. Also called: Muscular hypotonia of the trunk. Identifiers: MedGen C1853743, HP:0008936.
Elevated circulating alanine aminotransferase concentration. Also called: Alanine aminotransferase increased; Elevated serum alanine aminotransferase. Identifiers: MedGen C0151905, HP:0031964.
Elevated circulating aspartate aminotransferase concentration. Identifiers: MedGen C0151904, HP:0031956.
Moderate global developmental delay. Identifiers: MedGen C2237142, HP:0011343.
Macrotia. Also called: large prominent ears; Large ears. Identifiers: MedGen C0152421, HP:0000400.
Failure to thrive. Also called: Pediatric failure to thrive. Identifiers: MedGen C2315100, HP:0001508.
Vomiting. Identifiers: MedGen C0042963, HP:0002013.
High palate. Identifiers: MedGen C0240635, HP:0000218.

Allele frequency attached by ClinVar (database versions not stated): TOPMed below 0.00001; gnomAD 0.00001.
gnomAD v4.1: 1 of 1,614,058 alleles (0.000062%); highest among the groups gnomAD compares: African/African-American, 0.0013%; no homozygotes.

Submission:

Institute of Human Genetics, University of Leipzig Medical Center
Classification: Uncertain significance for High palate; Macrotia; Failure to thrive; Anemia; Vomiting; Diarrhea; Axial hypotonia; Moderate global developmental delay; Elevated circulating aspartate aminotransferase concentration; Elevated circulating alanine aminotransferase concentration. Last evaluated: 2022-01-31. Review status: criteria provided, single submitter. Criteria: ACMG Guidelines, 2015. Collection method: clinical testing. Allele origin: unknown. Affected: yes.
Comment: _x000D_ Criteria applied: PM1_SUP, PM2_SUP, PP3

NM_000193.4(SHH):c.86G>C (p.Gly29Ala)

Gene: SHH (sonic hedgehog signaling molecule; minus strand). Cytogenetic location: 7q36.3.
Variant type: single nucleotide variant.
Coding change: c.86G>C on transcript NM_000193.4 (MANE Select); coding-DNA position 86, G replaced by C.
Protein change: p.Gly29Ala; replaces glycine 29 with alanine.
Molecular consequence: missense variant.
Genome position (GRCh38, 1-based): chr7:155,812,037, C>G on the plus strand (G>C on the coding strand, the complement: SHH is on the minus strand). VCF-style: chr7-155812037-C-G. GRCh37 (hg19) VCF-style: chr7-155604731-C-G.
Other names: short protein forms G29A.
Identifiers: ClinVar variation 1338810 (VCV001338810.1), dbSNP rs1313527438, ClinGen allele CA370152384.